The following is an entry in ClinVar:

ClinVar aggregate classification (germline): Uncertain significance (1 of 4 stars; one submission).

Allele frequency attached by ClinVar (database versions not stated): TOPMed 0.00001.
gnomAD v4.1: 2 of 1,549,726 alleles (0.00013%); highest among the groups gnomAD compares: African/African-American, 0.0027%; no homozygotes.

Submission:

GeneDx
Classification: Uncertain significance. Last evaluated: 2022-05-13. Review status: criteria provided, single submitter. Criteria: GeneDx Variant Classification Process June 2021. Collection method: clinical testing. Allele origin: germline. Affected: yes.
Comment: Not observed at significant frequency in large population cohorts (gnomAD); In silico analysis supports that this missense variant does not alter protein structure/function; Has not been previously published as pathogenic or benign to our knowledge

NM_032119.4(ADGRV1):c.14967A>C (p.Gln4989His)

Gene: ADGRV1 (adhesion G protein-coupled receptor V1; plus strand). Cytogenetic location: 5q14.3.
Variant type: single nucleotide variant.
Coding change: c.14967A>C on transcript NM_032119.4 (MANE Select); coding-DNA position 14967, A replaced by C.
Protein change: p.Gln4989His; replaces glutamine 4989 with histidine.
Molecular consequence: missense variant. On other transcripts: non-coding transcript variant (1).
Genome position (GRCh38, 1-based): chr5:90,807,732, A>C. VCF-style: chr5-90807732-A-C. GRCh37 (hg19) VCF-style: chr5-90103549-A-C.
Other names: short protein forms Q4989H.
Identifiers: ClinVar variation 1723742 (VCV001723742.2), dbSNP rs1456952629, ClinGen allele CA360406734.